The following is an entry in ClinVar:

ClinVar aggregate classification (germline): Uncertain significance (1 of 4 stars; one submission).

Conditions:
Hereditary cancer-predisposing syndrome. Also called: Neoplastic Syndromes, Hereditary; Tumor predisposition; Hereditary Cancer Syndrome; Hereditary neoplastic syndrome. Identifiers: Orphanet 140162, MedGen C0027672, MeSH D009386, MONDO:0015356.

Submission:

Ambry Genetics
Classification: Uncertain significance for Hereditary cancer-predisposing syndrome. Last evaluated: 2020-12-22. Review status: criteria provided, single submitter. Criteria: Ambry Variant Classification Scheme 2023. Collection method: clinical testing. Allele origin: germline.
Comment: The p.E641K variant (also known as c.1921G>A), located in coding exon 4 of the MSH6 gene, results from a G to A substitution at nucleotide position 1921. The glutamic acid at codon 641 is replaced by lysine, an amino acid with similar properties. This amino acid position is poorly conserved in available vertebrate species. In addition, this alteration is predicted to be tolerated by in silico analysis. Since supporting evidence is limited at this time, the clinical significance of this alteration remains unclear.

NM_000179.3(MSH6):c.1921G>A (p.Glu641Lys)

Gene: MSH6 (mutS homolog 6; plus strand). Cytogenetic location: 2p16.3.
Variant type: single nucleotide variant.
Coding change: c.1921G>A on transcript NM_000179.3 (MANE Select); coding-DNA position 1921, G replaced by A.
Protein change: p.Glu641Lys; replaces glutamic acid 641 with lysine.
Molecular consequence: missense variant.
Genome position (GRCh38, 1-based): chr2:47,799,904, G>A. VCF-style: chr2-47799904-G-A. GRCh37 (hg19) VCF-style: chr2-48027043-G-A.
Other names: c.1531G>A, p.Glu511Lys (NM_001281492.2); c.1015G>A, p.Glu339Lys (NM_001281493.2, NM_001281494.2, NM_001406811.1 and 6 more transcripts); c.2017G>A, p.Glu673Lys (NM_001406795.1, NM_001406802.1); c.1921G>A, p.Glu641Lys (NM_001406796.1, NM_001406798.1, NM_001406800.1 and 3 more transcripts); c.1624G>A, p.Glu542Lys (NM_001406797.1, NM_001406801.1, NM_001406805.1 and 10 more transcripts); c.1396G>A, p.Glu466Lys (NM_001406799.1, NM_001406806.1, NM_001406807.1); c.1843G>A, p.Glu615Lys (NM_001406804.1); c.1927G>A, p.Glu643Lys (NM_001406813.1); and 1 more; short protein forms E641K, E466K, E542K, E673K, E511K, E585K, E643K, E339K.
Identifiers: ClinVar variation 1782690 (VCV001782690.2), dbSNP rs1553413305, ClinGen allele CA346750286.